The following is an entry in ClinVar:

NM_000293.3(PHKB):c.1285C>T (p.Arg429Ter)

Gene: PHKB (phosphorylase kinase regulatory subunit beta; plus strand). Cytogenetic location: 16q12.1.
Variant type: single nucleotide variant.
Coding change: c.1285C>T on transcript NM_000293.3 (MANE Select); coding-DNA position 1285, C replaced by T.
Protein change: p.Arg429Ter; replaces arginine 429 with a stop codon.
Molecular consequence: nonsense.
Genome position (GRCh38, 1-based): chr16:47,596,453, C>T. VCF-style: chr16-47596453-C-T. GRCh37 (hg19) VCF-style: chr16-47630364-C-T.
Other names: c.1264C>T, p.Arg422Ter (NM_001031835.3); c.1285C>T, p.Arg429Ter (NM_001363837.1); short protein forms R422*, R429*.
Identifiers: ClinVar variation 1699565 (VCV001699565.9), dbSNP rs563345848, ClinGen allele CA8040760.

ClinVar aggregate classification (germline): Pathogenic. Review status: criteria provided, multiple submitters, no conflicts (2 of 4 stars). 4 submissions from 4 submitters: Pathogenic (4). Last evaluated 2025-08-13.

Conditions:
PHKB-related disorder. Also called: PHKB-related condition.
Glycogen phosphorylase kinase deficiency. Also called: Phosphorylase Kinase Deficiency; Glycogen Storage Disease Type IX. Identifiers: Orphanet 370, MedGen C0268147, MONDO:0700291.
Glycogen storage disease IXb (GSD9B). Also called: GLYCOGENOSIS OF LIVER AND MUSCLE, AUTOSOMAL RECESSIVE; GSD IXb; PHOSPHORYLASE KINASE DEFICIENCY OF LIVER AND MUSCLE, AUTOSOMAL RECESSIVE. Identifiers: Orphanet 79240, MedGen C0543514, MONDO:0009868, OMIM 261750.

Allele frequency attached by ClinVar (database versions not stated): ExAC 0.00002; gnomAD exomes 0.00004 and 0.00011; TOPMed 0.00008; gnomAD 0.00011; 1000 Genomes Project 30x 0.00016; 1000 Genomes Project 0.00020.
gnomAD v4.1: 171 of 1,613,566 alleles (0.011%); highest among the groups gnomAD compares: Non-Finnish European, 0.013%; no homozygotes.

Submissions (4):

Labcorp Genetics (formerly Invitae), Labcorp
Classification: Pathogenic for Glycogen storage disease IXb. Last evaluated: 2025-08-13. Review status: criteria provided, single submitter. Criteria: Invitae Variant Classification Sherloc (09022015). Collection method: clinical testing. Allele origin: germline.
Comment: This sequence change creates a premature translational stop signal (p.Arg429*) in the PHKB gene. It is expected to result in an absent or disrupted protein product. Loss-of-function variants in PHKB are known to be pathogenic (PMID: 9215682, 9326319). This variant is present in population databases (rs563345848, gnomAD 0.009%). This premature translational stop signal has been observed in individual(s) with glycogen storage disease (PMID: 9215682). ClinVar contains an entry for this variant (Variation ID: 1699565). For these reasons, this variant has been classified as Pathogenic.

Women's Health and Genetics/Laboratory Corporation of America, LabCorp
Classification: Pathogenic for Glycogen phosphorylase kinase deficiency. Last evaluated: 2024-09-09. Review status: criteria provided, single submitter. Criteria: LabCorp Variant Classification Summary - May 2015. Collection method: clinical testing. Allele origin: germline.
Comment: Variant summary: PHKB c.1285C>T (p.Arg429X) results in a premature termination codon, predicted to cause a truncation of the encoded protein or absence of the protein due to nonsense mediated decay, which are commonly known mechanisms for disease. The variant allele was found at a frequency of 3.6e-05 in 251450 control chromosomes. c.1285C>T has been reported in the literature in individuals affected with Glycogen Phosphorylase Kinase Deficiency, including as a compound heterozygous genotype (e.g. Burwinkel _1997). To our knowledge, no experimental evidence demonstrating an impact on protein function has been reported. The following publication has been ascertained in the context of this evaluation (PMID: 9215682). ClinVar contains an entry for this variant (Variation ID: 1699565). Based on the evidence outlined above, the variant was classified as pathogenic.

Blueprint Genetics
Classification: Pathogenic for PHKB-related disorders. Last evaluated: 2024-07-30. Review status: criteria provided, single submitter. Criteria: ACMG Guidelines, 2015. Collection method: clinical testing. Allele origin: germline. Affected: yes. Observed: 5 variant alleles.

GeneDx
Classification: Pathogenic. Last evaluated: 2022-07-11. Review status: criteria provided, single submitter. Criteria: GeneDx Variant Classification Process June 2021. Collection method: clinical testing. Allele origin: germline. Affected: yes.
Comment: Nonsense variant predicted to result in protein truncation or nonsense mediated decay in a gene for which loss of function is a known mechanism of disease; This variant is associated with the following publications: (PMID: 25525159, 17689125, 9215682, 21646031)

Literature cited by the submitters: PubMed 9215682 (cited by Labcorp Genetics (formerly Invitae), Labcorp and Women's Health and Genetics/Laboratory Corporation of America, LabCorp); PubMed 9326319 (cited by Labcorp Genetics (formerly Invitae), Labcorp).